The following is an entry in ClinVar:

NM_015072.5(TTLL5):c.3521A>T (p.Gln1174Leu)

Gene: TTLL5 (tubulin tyrosine ligase like 5; plus strand). Cytogenetic location: 14q24.3.
Variant type: single nucleotide variant.
Coding change: c.3521A>T on transcript NM_015072.5 (MANE Select); coding-DNA position 3521, A replaced by T.
Protein change: p.Gln1174Leu; replaces glutamine 1174 with leucine.
Molecular consequence: missense variant.
Genome position (GRCh38, 1-based): chr14:75,863,861, A>T. VCF-style: chr14-75863861-A-T. GRCh37 (hg19) VCF-style: chr14-76330204-A-T.
Other names: short protein forms Q1174L.
Identifiers: ClinVar variation 1470304 (VCV001470304.6), dbSNP rs2030239631, ClinGen allele CA390539949.

ClinVar aggregate classification (germline): Uncertain significance (1 of 4 stars; one submission).

Allele frequency attached by ClinVar (database versions not stated): gnomAD 0.00001.
gnomAD v4.1: 1 of 1,569,712 alleles (0.000064%); highest among the groups gnomAD compares: Non-Finnish European, 0.000087%; no homozygotes.

Submission:

Labcorp Genetics (formerly Invitae), Labcorp
Classification: Uncertain significance. Last evaluated: 2021-08-23. Review status: criteria provided, single submitter. Criteria: Invitae Variant Classification Sherloc (09022015). Collection method: clinical testing. Allele origin: germline.
Comment: This sequence change replaces glutamine with leucine at codon 1174 of the TTLL5 protein (p.Gln1174Leu). The glutamine residue is moderately conserved and there is a moderate physicochemical difference between glutamine and leucine. This variant is not present in population databases (ExAC no frequency). This variant has not been reported in the literature in individuals affected with TTLL5-related conditions. Algorithms developed to predict the effect of missense changes on protein structure and function are either unavailable or do not agree on the potential impact of this missense change (SIFT: "Deleterious"; PolyPhen-2: "Probably Damaging"; Align-GVGD: "Class C0"). Algorithms developed to predict the effect of sequence changes on RNA splicing suggest that this variant may disrupt the consensus splice site. In summary, the available evidence is currently insufficient to determine the role of this variant in disease. Therefore, it has been classified as a Variant of Uncertain Significance.